The following is an entry in ClinVar:

ClinVar aggregate classification (germline): Benign (1 of 4 stars; one submission).

Allele frequency attached by ClinVar (database versions not stated): gnomAD 0.05510 and 0.05911; 1000 Genomes Project 0.05711; TOPMed 0.06109; 1000 Genomes Project 30x 0.06184.
gnomAD v4.1: 8,303 of 152,146 alleles (5.5%); highest among the groups gnomAD compares: African/African-American, 19%; 708 homozygotes.

Submission:

GeneDx
Classification: Benign. Last evaluated: 2018-06-19. Review status: criteria provided, single submitter. Criteria: GeneDx Variant Classification (06012015). Collection method: clinical testing. Allele origin: germline. Affected: yes.
Comment: This variant is considered likely benign or benign based on one or more of the following criteria: it is a conservative change, it occurs at a poorly conserved position in the protein, it is predicted to be benign by multiple in silico algorithms, and/or has population frequency not consistent with disease.

NM_001105206.3(LAMA4):c.422+312C>T

Gene: LAMA4 (laminin subunit alpha 4; minus strand). Cytogenetic location: 6q21.
Variant type: single nucleotide variant.
Coding change: c.422+312C>T on transcript NM_001105206.3 (MANE Select); 312 bases into the intron after coding-DNA position 422, C replaced by T.
Molecular consequence: intron variant.
Genome position (GRCh38, 1-based): chr6:112,206,709, G>A on the plus strand (C>T on the coding strand, the complement: LAMA4 is on the minus strand). VCF-style: chr6-112206709-G-A. GRCh37 (hg19) VCF-style: chr6-112527910-G-A.
Other names: c.422+312C>T (NM_002290.5, NM_001105207.3).
Identifiers: ClinVar variation 671851 (VCV000671851.1), dbSNP rs77329639, ClinGen allele CA144890851.